The following is an entry in ClinVar:

ClinVar aggregate classification (germline): Uncertain significance. Review status: criteria provided, multiple submitters, no conflicts (2 of 4 stars). 2 submissions from 2 submitters: Uncertain significance (2). Last evaluated 2026-01-25.

Conditions:
Inborn genetic diseases. Identifiers: MedGen C0950123, MeSH D030342.

Submissions (2):

Labcorp Genetics (formerly Invitae), Labcorp
Classification: Uncertain significance. Last evaluated: 2026-01-25. Review status: criteria provided, single submitter. Criteria: Invitae Variant Classification Sherloc (09022015). Collection method: clinical testing. Allele origin: germline.
Comment: This sequence change replaces asparagine, which is neutral and polar, with serine, which is neutral and polar, at codon 28 of the SRCAP protein (p.Asn28Ser). This variant is present in population databases (no rsID available, gnomAD 0.003%). This variant has not been reported in the literature in individuals affected with SRCAP-related conditions. ClinVar contains an entry for this variant (Variation ID: 3961846). Invitae Evidence Modeling of protein sequence and biophysical properties (such as structural, functional, and spatial information, amino acid conservation, physicochemical variation, residue mobility, and thermodynamic stability) indicates that this missense variant is not expected to disrupt SRCAP protein function with a negative predictive value of 80%. In summary, the available evidence is currently insufficient to determine the role of this variant in disease. Therefore, it has been classified as a Variant of Uncertain Significance.

Ambry Genetics
Classification: Uncertain significance for Inborn genetic diseases. Last evaluated: 2025-05-01. Review status: criteria provided, single submitter. Criteria: Ambry Variant Classification Scheme 2023. Collection method: clinical testing. Allele origin: germline.

NM_006662.3(SRCAP):c.83A>G (p.Asn28Ser)

Gene: SRCAP (Snf2 related CREBBP activator protein; plus strand). Cytogenetic location: 16p11.2.
Variant type: single nucleotide variant.
Coding change: c.83A>G on transcript NM_006662.3 (MANE Select); coding-DNA position 83, A replaced by G.
Protein change: p.Asn28Ser; replaces asparagine 28 with serine.
Molecular consequence: missense variant.
Genome position (GRCh38, 1-based): chr16:30,704,092, A>G. VCF-style: chr16-30704092-A-G. GRCh37 (hg19) VCF-style: chr16-30715413-A-G.
Other names: short protein forms N28S.
Identifiers: ClinVar variation 3961846 (VCV003961846.2).